The following continues an entry in ClinVar:

NM_000350.3(ABCA4):c.1222C>T (p.Arg408Ter)

Gene: ABCA4. ClinVar aggregate classification (germline): Pathogenic. Pathogenic (1).

Submissions 9 to 15 of 15:

Broad Center for Mendelian Genomics, Broad Institute of MIT and Harvard
Classification: Pathogenic for Retinitis pigmentosa 19. Last evaluated: 2023-01-25. Review status: criteria provided, single submitter. Criteria: ACMG Guidelines, 2015. Collection method: curation. Allele origin: germline. Inheritance: Autosomal recessive inheritance. Not counted in ClinVar's aggregate classification.
Comment: The p.Arg408Ter variant in ABCA4 has been previously reported in 13 unrelated individuals with autosomal recessive ABCA4-related retinopathy (PMID: 30771335, PMID: 14709597, PMID: 30060493, PMID: 33369172, PMID: 33301772, PMID: 32619608, PMID: 16103129, PMID: 23755871, PMID: 11846518) and segregated with disease in 2 affected relatives from one family (PMID: 16103129), but has been identified in 0.005% (1/19952) of East Asian chromosomes by the Genome Aggregation Database (gnomAD; dbSNP ID: rs61748550). Although this variant has been seen in the general population in a heterozygous state, its frequency is low enough to be consistent with a recessive carrier frequency. Of these 13 affected individuals (PMID: 30771335, PMID: 14709597, PMID: 30060493, PMID: 33369172, PMID: 33301772, PMID: 32619608, PMID: 16103129, PMID: 23755871, PMID: 11846518), 7 were compound heterozygotes who carried pathogenic or likely pathogenic variants in trans (PMID: 23755871, ClinVar Variation ID: 99224, 99283; PMID: 16103129, ClinVar Variation ID: 99084; PMID: 32619608, ClinVar Variation ID: 1065650; PMID: 33301772, ClinVar Variation ID: 99208; PMID: 33369172, ClinVar Variation ID: 854791; PMID: 30771335, ClinVar Variation ID: 7879), one was a compound heterozygote who carried a likely pathogenic variant with unknown phase (PMID: 11846518, ClinVar Variation ID: 99307), and 4 were compound heterozygotes who carried variants of uncertain significance in trans (PMID: 32619608, ClinVar Variation ID: 7888, 99265; PMID: 33301772; PMID: 30060493, ClinVar Variation ID: 866940), which increases the likelihood that the p.Arg408Ter variant is pathogenic. This variant has also been reported in ClinVar (Variation ID: 99035) and has been interpreted as pathogenic by multiple submitters. This nonsense variant leads to a premature termination codon at position 408, which is predicted to lead to a truncated or absent protein. Loss of function of the ABCA4 gene is an established disease mechanism in autosomal recessive ABCA4-related retinopathy. In summary, this variant meets criteria to be classified as pathogenic for autosomal recessive ABCA4-related retinopathy. ACMG/AMP Criteria applied: PVS1, PM2_Supporting, PM3_VeryStrong (Richards 2015).

Institute of Human Genetics, Univ. Regensburg, Univ. Regensburg
Classification: Pathogenic for Retinal dystrophy. Last evaluated: 2019-01-01. Review status: criteria provided, single submitter. Criteria: ACMG Guidelines, 2015. Collection method: clinical testing. Allele origin: germline. Affected: yes. Not counted in ClinVar's aggregate classification.

Knight Diagnostic Laboratories, Oregon Health and Sciences University
Classification: Pathogenic. Last evaluated: 2017-06-26. Review status: criteria provided, single submitter. Criteria: ACMG Guidelines, 2015. Collection method: clinical testing. Allele origin: germline. Observed: 1 variant allele. Not counted in ClinVar's aggregate classification.

Eurofins Ntd Llc (ga)
Classification: Pathogenic. Last evaluated: 2016-03-21. Review status: criteria provided, single submitter. Criteria: EGL Classification Definitions 2015. Collection method: clinical testing. Allele origin: germline. Observed: 2 variant alleles, 1 heterozygote, 1 homozygote. Not counted in ClinVar's aggregate classification.

Institute of Human Genetics, Univ. Regensburg, Univ. Regensburg
Classification: Pathogenic for Severe early-childhood-onset retinal dystrophy. Last evaluated: 2016-01-01. Review status: criteria provided, single submitter. Criteria: Schulz et al. (Invest Ophthalmol Vis Sci. 2017). Collection method: clinical testing. Allele origin: germline. Affected: yes. Observed: 1 heterozygote. Not counted in ClinVar's aggregate classification.

Ophthalmo-Genetics Lab, Instituto de Oftalmologia Conde de Valenciana
Classification: Pathogenic for Stargardt disease 3. Review status: no assertion criteria provided. Collection method: research. Allele origin: germline. Inheritance: Autosomal recessive inheritance. Not counted in ClinVar's aggregate classification.

Retina International
No classification provided. Review status: no classification provided. Collection method: not provided. Allele origin: not provided. Not counted in ClinVar's aggregate classification.

Literature cited by the submitters: PubMed 10958761 (cited by Labcorp Genetics (formerly Invitae), Labcorp and Ophthalmic Genetics Group, Institute of Molecular and Clinical Ophthalmology Basel); PubMed 24938718 (cited by Labcorp Genetics (formerly Invitae), Labcorp and Ophthalmic Genetics Group, Institute of Molecular and Clinical Ophthalmology Basel); PubMed 25312043 (cited by Labcorp Genetics (formerly Invitae), Labcorp); PubMed 26780318 (cited by Labcorp Genetics (formerly Invitae), Labcorp); PubMed 16103129 (cited by 4 submitters); PubMed 23755871 (cited by 5 submitters); PubMed 23982839 (cited by Dasa); PubMed 40180963 (cited by Ophthalmic Genetics Group, Institute of Molecular and Clinical Ophthalmology Basel); PubMed 11846518 (cited by Institute of Human Genetics, Univ. Regensburg, Univ. Regensburg and Eurofins Ntd Llc (ga)); PubMed 25525159 (cited by Institute of Human Genetics, Univ. Regensburg, Univ. Regensburg); PubMed 28118664 (cited by Institute of Human Genetics, Univ. Regensburg, Univ. Regensburg); PubMed 30060493 (cited by Institute of Human Genetics, Univ. Regensburg, Univ. Regensburg); PubMed 28947085 (cited by Institute of Human Genetics, Univ. Regensburg, Univ. Regensburg); PubMed 31054281 (cited by Institute of Human Genetics, Univ. Regensburg, Univ. Regensburg); PubMed 32619608 (cited by Institute of Human Genetics, Univ. Regensburg, Univ. Regensburg); PubMed 31964843 (cited by Institute of Human Genetics, Univ. Regensburg, Univ. Regensburg); PubMed 32307445 (cited by Institute of Human Genetics, Univ. Regensburg, Univ. Regensburg); PubMed 32845068 (cited by Institute of Human Genetics, Univ. Regensburg, Univ. Regensburg); PubMed 33369172 (cited by Institute of Human Genetics, Univ. Regensburg, Univ. Regensburg); PubMed 33301772 (cited by Institute of Human Genetics, Univ. Regensburg, Univ. Regensburg); PubMed 35119454 (cited by Institute of Human Genetics, Univ. Regensburg, Univ. Regensburg); PubMed 35260635 (cited by Institute of Human Genetics, Univ. Regensburg, Univ. Regensburg); PubMed 36460718 (cited by Institute of Human Genetics, Univ. Regensburg, Univ. Regensburg); PubMed 35657619 (cited by Institute of Human Genetics, Univ. Regensburg, Univ. Regensburg); PubMed 35973334 (cited by Ophthalmo-Genetics Lab, Instituto de Oftalmologia Conde de Valenciana).